The following is an entry in ClinVar:

NM_000093.5(COL5A1):c.2378G>A (p.Gly793Glu)

Gene: COL5A1 (collagen type V alpha 1 chain; plus strand). Cytogenetic location: 9q34.3.
Variant type: single nucleotide variant.
Coding change: c.2378G>A on transcript NM_000093.5 (MANE Select); coding-DNA position 2378, G replaced by A.
Protein change: p.Gly793Glu; replaces glycine 793 with glutamic acid.
Molecular consequence: missense variant.
Genome position (GRCh38, 1-based): chr9:134,774,905, G>A. VCF-style: chr9-134774905-G-A. GRCh37 (hg19) VCF-style: chr9-137666751-G-A.
Other names: c.2378G>A, p.Gly793Glu (NM_001278074.1); short protein forms G793E.
Identifiers: ClinVar variation 2631695 (VCV002631695.1), dbSNP rs2490690864, ClinGen allele CA375451963.

ClinVar aggregate classification (germline): Likely pathogenic (1 of 4 stars; one submission).

Conditions:
COL5A1-related disorder. Also called: COL5A1-related condition.

Submission:

PreventionGenetics, part of Exact Sciences
Classification: Likely pathogenic for COL5A1-related condition. Last evaluated: 2023-08-16. Review status: criteria provided, single submitter. Criteria: ACMG Guidelines, 2015. Collection method: clinical testing. Allele origin: germline.
Comment: The COL5A1 c.2378G>A variant is predicted to result in the amino acid substitution p.Gly793Glu. To our knowledge, this variant has not been reported in the literature or in a large population database, indicating this variant is rare. Most documented pathogenic missense variants in COL5A1 substitute a glycine residue to a bulkier amino acid in the triple helical region (for examples see Malfait et al. 2005. PubMed ID: 15580559; Mitchell et al. 2009. PubMed ID: 19370768; Giunta and Steinmann. 2000. PubMed ID: 10602121; Symoens et al. 2012. PubMed ID: 22696272). The Gly793Glu resides within the triple helical domain. This variant is interpreted as likely pathogenic.